The following is an entry in ClinVar:

ClinVar aggregate classification (germline): Uncertain significance (1 of 4 stars; one submission).

Conditions:
Familial thoracic aortic aneurysm and aortic dissection (TAAD). Also called: Thoracic aortic aneurysms and dissections. Identifiers: Orphanet 91387, MedGen C4707243, MONDO:0019625.

Submission:

Ambry Genetics
Classification: Uncertain significance for Familial thoracic aortic aneurysm and aortic dissection. Last evaluated: 2021-10-21. Review status: criteria provided, single submitter. Criteria: Ambry Variant Classification Scheme 2023. Collection method: clinical testing. Allele origin: germline.
Comment: The p.K489T variant (also known as c.1466A>C), located in coding exon 9 of the TGFBR1 gene, results from an A to C substitution at nucleotide position 1466. The lysine at codon 489 is replaced by threonine, an amino acid with similar properties. This amino acid position is conserved. In addition, this alteration is predicted to be deleterious by in silico analysis. Since supporting evidence is limited at this time, the clinical significance of this alteration remains unclear.

NM_004612.4(TGFBR1):c.1466A>C (p.Lys489Thr)

Gene: TGFBR1 (transforming growth factor beta receptor 1; plus strand). Cytogenetic location: 9q22.33.
Variant type: single nucleotide variant.
Coding change: c.1466A>C on transcript NM_004612.4 (MANE Select); coding-DNA position 1466, A replaced by C.
Protein change: p.Lys489Thr; replaces lysine 489 with threonine.
Molecular consequence: missense variant.
Genome position (GRCh38, 1-based): chr9:99,149,259, A>C. VCF-style: chr9-99149259-A-C. GRCh37 (hg19) VCF-style: chr9-101911541-A-C.
Other names: c.1235A>C, p.Lys412Thr (NM_001130916.3); c.1478A>C, p.Lys493Thr (NM_001306210.2); short protein forms K489T, K412T, K493T.
Identifiers: ClinVar variation 1773254 (VCV001773254.2), dbSNP rs1554702751, ClinGen allele CA323592.